The following is an entry in ClinVar:

ClinVar aggregate classification (germline): Uncertain significance. Review status: criteria provided, multiple submitters, no conflicts (2 of 4 stars). 3 submissions from 3 submitters: Uncertain significance (3). Last evaluated 2025-12-09.

Conditions:
Inborn genetic diseases. Identifiers: MedGen C0950123, MeSH D030342.

Allele frequency attached by ClinVar (database versions not stated): gnomAD exomes 0.00001; TOPMed 0.00001; gnomAD 0.00002.
gnomAD v4.1: 9 of 1,612,224 alleles (0.00056%); highest among the groups gnomAD compares: Non-Finnish European, 0.00076%; no homozygotes.

Submissions (3):

Labcorp Genetics (formerly Invitae), Labcorp
Classification: Uncertain significance. Last evaluated: 2025-12-09. Review status: criteria provided, single submitter. Criteria: Invitae Variant Classification Sherloc (09022015). Collection method: clinical testing. Allele origin: germline.
Comment: This sequence change replaces tyrosine, which is neutral and polar, with cysteine, which is neutral and slightly polar, at codon 165 of the CACNA2D4 protein (p.Tyr165Cys). This variant is present in population databases (no rsID available, gnomAD 0.002%). This variant has not been reported in the literature in individuals affected with CACNA2D4-related conditions. ClinVar contains an entry for this variant (Variation ID: 1390876). An algorithm developed to predict the effect of missense changes on protein structure and function (PolyPhen-2) suggests that this variant is likely to be disruptive. In summary, the available evidence is currently insufficient to determine the role of this variant in disease. Therefore, it has been classified as a Variant of Uncertain Significance.

Blueprint Genetics
Classification: Uncertain significance. Last evaluated: 2022-11-11. Review status: criteria provided, single submitter. Criteria: ACMG Guidelines, 2015. Collection method: clinical testing. Allele origin: germline.

Ambry Genetics
Classification: Uncertain significance for Inborn genetic diseases. Last evaluated: 2021-11-08. Review status: criteria provided, single submitter. Criteria: Ambry Variant Classification Scheme 2023. Collection method: clinical testing. Allele origin: germline.

NM_172364.5(CACNA2D4):c.494A>G (p.Tyr165Cys)

Gene: CACNA2D4 (calcium voltage-gated channel auxiliary subunit alpha2delta 4; minus strand). Cytogenetic location: 12p13.33.
Variant type: single nucleotide variant.
Coding change: c.494A>G on transcript NM_172364.5 (MANE Select); coding-DNA position 494, A replaced by G.
Protein change: p.Tyr165Cys; replaces tyrosine 165 with cysteine.
Molecular consequence: missense variant.
Genome position (GRCh38, 1-based): chr12:1,908,030, T>C on the plus strand (A>G on the coding strand, the complement: CACNA2D4 is on the minus strand). VCF-style: chr12-1908030-T-C. GRCh37 (hg19) VCF-style: chr12-2017196-T-C.
Other names: c.494A>G (NM_172364.4); short protein forms Y165C.
Identifiers: ClinVar variation 1390876 (VCV001390876.8), dbSNP rs1212756503, ClinGen allele CA383364658.